The following is an entry in ClinVar:

ClinVar aggregate classification (germline): Conflicting classifications of pathogenicity. Review status: criteria provided, conflicting classifications (1 of 4 stars). 2 submissions from 2 submitters: Uncertain significance (1); Likely benign (1). Last evaluated 2026-04-14.

Conditions:
Familial intrahepatic cholestasis. Identifiers: Orphanet 284385, MedGen CN296401, MONDO:0017290.

Allele frequency attached by ClinVar (database versions not stated): ExAC 0.00004; gnomAD exomes 0.00005; ESP Exome Variant Server 0.00015; 1000 Genomes Project 30x 0.00016; 1000 Genomes Project 0.00020.
gnomAD v4.1: 77 of 1,613,922 alleles (0.0048%); highest among the groups gnomAD compares: Non-Finnish European, 0.0062%; no homozygotes.

Submissions (2):

Genomenon, Inc
Classification: Uncertain significance for Familial intrahepatic cholestasis. Last evaluated: 2026-04-14. Review status: criteria provided, single submitter. Criteria: Genomenon Sequence Variant Interpretation Standards - Updated. Collection method: curation. Allele origin: germline. Affected: no.
Comment: ATP8B1 c.1221-8C>G is an intronic variant located in the acceptor splice region of intron 12. This variant has been reported in the published literature (PMID:24260417). It is absent or not present at a significant frequency in gnomAD. In silico models predict that this variant is not damaging. In conclusion, we classify ATP8B1 c.1221-8C>G as a variant of uncertain significance.

Labcorp Genetics (formerly Invitae), Labcorp
Classification: Likely benign. Last evaluated: 2025-07-31. Review status: criteria provided, single submitter. Criteria: Invitae Variant Classification Sherloc (09022015). Collection method: clinical testing. Allele origin: germline.

Literature cited by the submitters: PubMed 24260417 (cited by Genomenon, Inc).

NM_001374385.1(ATP8B1):c.1221-8C>G

Gene: ATP8B1 (ATPase phospholipid transporting 8B1; minus strand). Cytogenetic location: 18q21.31.
Variant type: single nucleotide variant.
Coding change: c.1221-8C>G on transcript NM_001374385.1 (MANE Select); 8 bases into the intron before coding-DNA position 1221, C replaced by G.
Molecular consequence: intron variant.
Genome position (GRCh38, 1-based): chr18:57,688,515, G>C on the plus strand (C>G on the coding strand, the complement: ATP8B1 is on the minus strand). VCF-style: chr18-57688515-G-C. GRCh37 (hg19) VCF-style: chr18-55355747-G-C.
Other names: c.1221-8C>G (NM_005603.6); c.1071-8C>G (NM_001374386.1).
Identifiers: ClinVar variation 2858069 (VCV002858069.4), dbSNP rs368830215, ClinGen allele CA8974621.
Genomic context (GRCh38, chr18:57,688,515, plus strand): 5'-TTTGCAGGTCCCAGTTGATGAAGTGACTCTGTCCAAGACGAATCACTTCCACGCTAGGAA[G>C]ACAGAAGATTATTTTCCGTAGAGAGCTCGGATACGAGTGGCAAGTAGTAGAGATTTTATT-3'